The following is an entry in ClinVar:

ClinVar aggregate classification (germline): Uncertain significance. Review status: criteria provided, multiple submitters, no conflicts (2 of 4 stars). 5 submissions from 5 submitters: Uncertain significance (4). 1 of the submissions does not count toward it. Last evaluated 2026-01-18.

Conditions:
BLM-related disorder. Also called: BLM-related condition.
Hereditary cancer-predisposing syndrome. Also called: Tumor predisposition; Neoplastic Syndromes, Hereditary; Hereditary neoplastic syndrome; Hereditary Cancer Syndrome. Identifiers: Orphanet 140162, MedGen C0027672, MeSH D009386, MONDO:0015356.
Bloom syndrome (BLM). Also called: Bloom-Torre-Machacek syndrome. Identifiers: Orphanet 125, MedGen C0005859, MONDO:0008876, OMIM 210900.

Allele frequency attached by ClinVar (database versions not stated): gnomAD exomes below 0.00001 and 0.00002; TOPMed below 0.00001.

Submissions (5):

Labcorp Genetics (formerly Invitae), Labcorp
Classification: Uncertain significance for Bloom syndrome. Last evaluated: 2026-01-18. Review status: criteria provided, single submitter. Criteria: Invitae Variant Classification Sherloc (09022015). Collection method: clinical testing. Allele origin: germline.
Comment: This sequence change replaces glutamine, which is neutral and polar, with arginine, which is basic and polar, at codon 851 of the BLM protein (p.Gln851Arg). This variant is present in population databases (no rsID available, gnomAD 0.01%). This variant has not been reported in the literature in individuals affected with BLM-related conditions. ClinVar contains an entry for this variant (Variation ID: 497247). Invitae Evidence Modeling of protein sequence and biophysical properties (such as structural, functional, and spatial information, amino acid conservation, physicochemical variation, residue mobility, and thermodynamic stability) indicates that this missense variant is not expected to disrupt BLM protein function with a negative predictive value of 80%. RNA analysis performed to evaluate the impact of this missense change on mRNA splicing indicates it does not significantly alter splicing (internal data). In summary, the available evidence is currently insufficient to determine the role of this variant in disease. Therefore, it has been classified as a Variant of Uncertain Significance.

Ambry Genetics
Classification: Uncertain significance for Hereditary cancer-predisposing syndrome. Last evaluated: 2025-01-23. Review status: criteria provided, single submitter. Criteria: Ambry Variant Classification Scheme 2023. Collection method: clinical testing. Allele origin: germline.
Comment: The p.Q851R variant (also known as c.2552A>G), located in coding exon 11 of the BLM gene, results from an A to G substitution at nucleotide position 2552. The glutamine at codon 851 is replaced by arginine, an amino acid with highly similar properties. This amino acid position is conserved. In addition, the in silico prediction for this alteration is inconclusive. Since supporting evidence is limited at this time, the clinical significance of this alteration remains unclear.

Fulgent Genetics
Classification: Uncertain significance for Bloom syndrome. Last evaluated: 2021-07-27. Review status: criteria provided, single submitter. Criteria: ACMG Guidelines, 2015. Collection method: clinical testing. Allele origin: unknown.

Eurofins Ntd Llc (ga)
Classification: Uncertain significance. Last evaluated: 2016-09-27. Review status: criteria provided, single submitter. Criteria: EGL Classification Definitions 2015. Collection method: clinical testing. Allele origin: germline. Observed: 1 variant allele, 1 heterozygote.

PreventionGenetics, part of Exact Sciences
Classification: Uncertain significance for BLM-related condition. Last evaluated: 2024-01-30. Review status: no assertion criteria provided. Collection method: clinical testing. Allele origin: germline. Not counted in ClinVar's aggregate classification.
Comment: The BLM c.2552A>G variant is predicted to result in the amino acid substitution p.Gln851Arg. To our knowledge, this variant has not been reported in the literature. This variant is reported in 0.017% of alleles in individuals of Latino descent in gnomAD. At this time, the clinical significance of this variant is uncertain due to the absence of conclusive functional and genetic evidence.

NM_000057.4(BLM):c.2552A>G (p.Gln851Arg)

Gene: BLM (BLM RecQ like helicase; plus strand). Cytogenetic location: 15q26.1.
Variant type: single nucleotide variant.
Coding change: c.2552A>G on transcript NM_000057.4 (MANE Select); coding-DNA position 2552, A replaced by G.
Protein change: p.Gln851Arg; replaces glutamine 851 with arginine.
Molecular consequence: missense variant.
Genome position (GRCh38, 1-based): chr15:90,769,583, A>G. VCF-style: chr15-90769583-A-G. GRCh37 (hg19) VCF-style: chr15-91312813-A-G.
Other names: c.2552A>G, p.Gln851Arg (NM_001287246.2, NM_001287247.2); c.1427A>G, p.Gln476Arg (NM_001287248.2); short protein forms Q851R, Q476R.
Identifiers: ClinVar variation 497247 (VCV000497247.17), dbSNP rs1454270314, ClinGen allele CA393845558.